The following is an entry in ClinVar:

ClinVar aggregate classification (germline): Benign/Likely benign. Review status: criteria provided, multiple submitters, no conflicts (2 of 4 stars). 3 submissions from 3 submitters: Benign (1); Likely benign (2). Last evaluated 2026-06-02.

Conditions:
Gastrointestinal stromal tumor. Also called: Gastrointestinal stroma tumor; Gastrointestinal stromal tumor, somatic. Identifiers: Orphanet 44890, MedGen C0238198, MeSH D046152, MONDO:0011719, OMIM 606764, HP:0100723.
Hereditary cancer-predisposing syndrome. Also called: Neoplastic Syndromes, Hereditary; Hereditary Cancer Syndrome; Hereditary neoplastic syndrome; Tumor predisposition. Identifiers: Orphanet 140162, MedGen C0027672, MeSH D009386, MONDO:0015356.

gnomAD v4.1: 2 of 1,614,232 alleles (0.00012%); highest among the groups gnomAD compares: East Asian, 0.0022%; no homozygotes.

Submissions (3):

Myriad Genetics, Inc.
Classification: Benign for Gastrointestinal stromal tumor. Last evaluated: 2026-06-02. Review status: criteria provided, single submitter. Criteria: Myriad Autosomal Dominant, Autosomal Recessive and X-Linked Classification Criteria (2023). Collection method: clinical testing. Allele origin: unknown.
Comment: This variant is considered benign. This variant is a silent/synonymous amino acid change and it is not expected to impact splicing.

Labcorp Genetics (formerly Invitae), Labcorp
Classification: Likely benign for Gastrointestinal stromal tumor. Last evaluated: 2025-09-16. Review status: criteria provided, single submitter. Criteria: Invitae Variant Classification Sherloc (09022015). Collection method: clinical testing. Allele origin: germline.

Ambry Genetics
Classification: Likely benign for Hereditary cancer-predisposing syndrome. Last evaluated: 2022-11-17. Review status: criteria provided, single submitter. Criteria: Ambry Variant Classification Scheme 2023. Collection method: clinical testing. Allele origin: germline.

NM_000222.3(KIT):c.234G>A (p.Lys78=)

Gene: KIT (KIT proto-oncogene, receptor tyrosine kinase; plus strand). Cytogenetic location: 4q12.
Variant type: single nucleotide variant.
Coding change: c.234G>A on transcript NM_000222.3 (MANE Select); coding-DNA position 234, G replaced by A.
Protein change: p.Lys78=; no amino-acid change (lysine 78 retained).
Molecular consequence: synonymous variant.
Genome position (GRCh38, 1-based): chr4:54,695,678, G>A. VCF-style: chr4-54695678-G-A. GRCh37 (hg19) VCF-style: chr4-55561844-G-A.
Other names: c.234G>A, p.Lys78= (NM_001093772.2, NM_001385284.1, NM_001385285.1 and 4 more transcripts); c.234G>A (NM_000222.2).
Identifiers: ClinVar variation 1112727 (VCV001112727.10), dbSNP rs1577952928, ClinGen allele CA439409130.